The following is an entry in ClinVar:

ClinVar aggregate classification (germline): Likely benign (1 of 4 stars; one submission).

Allele frequency attached by ClinVar (database versions not stated): gnomAD exomes below 0.00001 and 0.00001.

Submission:

Laboratorio de Genetica e Diagnostico Molecular, Hospital Israelita Albert Einstein
Classification: Likely benign. Last evaluated: 2021-09-16. Review status: criteria provided, single submitter. Criteria: ACMG Guidelines, 2015. Collection method: clinical testing. Allele origin: germline. Affected: yes.
Comment: ACMG classification criteria: BS2, BP4

NM_000117.3(EMD):c.748G>A (p.Glu250Lys)

Gene: EMD (emerin; plus strand). Cytogenetic location: Xq28.
Variant type: single nucleotide variant.
Coding change: c.748G>A on transcript NM_000117.3 (MANE Select); coding-DNA position 748, G replaced by A.
Protein change: p.Glu250Lys; replaces glutamic acid 250 with lysine.
Molecular consequence: missense variant.
Genome position (GRCh38, 1-based): chrX:154,381,180, G>A. VCF-style: chrX-154381180-G-A. GRCh37 (hg19) VCF-style: chrX-153609540-G-A.
Other names: short protein forms E250K.
Identifiers: ClinVar variation 1690449 (VCV001690449.2), dbSNP rs1557182733, ClinGen allele CA415259492.